The following is an entry in ClinVar:

ClinVar aggregate classification (germline): Uncertain significance (1 of 4 stars; one submission).

Conditions:
Long QT syndrome (LQTS). Identifiers: MedGen C0023976, MeSH D008133, MONDO:0002442. Disease mechanism: loss of function. Inheritance: Various modes of inheritance.

gnomAD v4.1: 3 of 1,614,090 alleles (0.00019%); highest among the groups gnomAD compares: Non-Finnish European, 0.00025%; no homozygotes.

Submission:

Labcorp Genetics (formerly Invitae), Labcorp
Classification: Uncertain significance for Long QT syndrome. Last evaluated: 2022-03-26. Review status: criteria provided, single submitter. Criteria: Invitae Variant Classification Sherloc (09022015). Collection method: clinical testing. Allele origin: germline.
Comment: Algorithms developed to predict the effect of missense changes on protein structure and function (SIFT, PolyPhen-2, Align-GVGD) all suggest that this variant is likely to be tolerated. In summary, the available evidence is currently insufficient to determine the role of this variant in disease. Therefore, it has been classified as a Variant of Uncertain Significance. This sequence change replaces threonine, which is neutral and polar, with arginine, which is basic and polar, at codon 2391 of the ANK2 protein (p.Thr2391Arg). This variant is present in population databases (no rsID available, gnomAD 0.0009%). This variant has not been reported in the literature in individuals affected with ANK2-related conditions.

NM_001148.6(ANK2):c.7172C>G (p.Thr2391Arg)

Genes: ANK2 (ankyrin 2; plus strand), LOC126807137 (CDK7 strongly-dependent group 2 enhancer GRCh37_chr4:114276560-114277759; plus strand). Cytogenetic location: 4q26.
Variant type: single nucleotide variant.
Coding change: c.7172C>G on transcript NM_001148.6 (MANE Select); coding-DNA position 7172, C replaced by G.
Protein change: p.Thr2391Arg; replaces threonine 2391 with arginine.
Molecular consequence: missense variant. On other transcripts: intron variant (68).
Genome position (GRCh38, 1-based): chr4:113,355,790, C>G. VCF-style: chr4-113355790-C-G. GRCh37 (hg19) VCF-style: chr4-114276946-C-G.
Other names: c.6938C>G, p.Thr2313Arg (NM_001386142.1); c.3572C>G, p.Thr1191Arg (NM_001386166.1); c.7313C>G, p.Thr2438Arg (NM_001386174.1); c.7289C>G, p.Thr2430Arg (NM_001386175.1); c.4412-5033C>G (NM_001386186.2, NM_001386148.2); c.4214-5033C>G (NM_001354269.3); c.4292-5033C>G (NM_001386187.2); c.4253-5033C>G (NM_001386147.1); and 35 more; short protein forms T2313R, T2391R, T2430R, T2438R, T1191R.
Identifiers: ClinVar variation 1931796 (VCV001931796.5), dbSNP rs1348531453, ClinGen allele CA357929713.